The following is an entry in ClinVar:

NM_000444.6(PHEX):c.1168del (p.Ser390fs)

Gene: PHEX (phosphate regulating endopeptidase X-linked; plus strand). Cytogenetic location: Xp22.11.
Variant type: Deletion.
Coding change: c.1168del on transcript NM_000444.6 (MANE Select); coding-DNA position 1168, one base deleted (T; older notation c.1168delT).
Protein change: p.Ser390fs; shifts the reading frame from serine 390.
Molecular consequence: frameshift variant.
Genome position (GRCh38, 1-based): chrX:22,111,555, T deleted. VCF-style (leftmost placement, unchanged base first): chrX-22111554-CT-C. GRCh37 (hg19) VCF-style: chrX-22129672-CT-C.
Other names: c.1168del, p.Ser390fs (NM_001282754.2); short protein forms S390fs.
Identifiers: ClinVar variation 1451886 (VCV001451886.6), dbSNP rs2147062104, ClinGen allele CA2573158525.

ClinVar aggregate classification (germline): Pathogenic (1 of 4 stars; one submission).

Submission:

Labcorp Genetics (formerly Invitae), Labcorp
Classification: Pathogenic. Last evaluated: 2022-03-03. Review status: criteria provided, single submitter. Criteria: Invitae Variant Classification Sherloc (09022015). Collection method: clinical testing. Allele origin: germline.
Comment: For these reasons, this variant has been classified as Pathogenic. This variant has not been reported in the literature in individuals affected with PHEX-related conditions. This variant is not present in population databases (gnomAD no frequency). This sequence change creates a premature translational stop signal (p.Ser390Glnfs*3) in the PHEX gene. It is expected to result in an absent or disrupted protein product. Loss-of-function variants in PHEX are known to be pathogenic (PMID: 9097956, 9106524, 19219621).

Literature cited by the submitters: PubMed 9097956; PubMed 9106524; PubMed 19219621.